The following is an entry in ClinVar:

NM_000228.3(LAMB3):c.629-12T>A

Gene: LAMB3 (laminin subunit beta 3; minus strand). Cytogenetic location: 1q32.2.
Variant type: single nucleotide variant.
Coding change: c.629-12T>A on transcript NM_000228.3 (MANE Select); 12 bases into the intron before coding-DNA position 629, T replaced by A.
Molecular consequence: intron variant.
Genome position (GRCh38, 1-based): chr1:209,632,788, A>T on the plus strand (T>A on the coding strand, the complement: LAMB3 is on the minus strand). VCF-style: chr1-209632788-A-T. GRCh37 (hg19) VCF-style: chr1-209806133-A-T.
Other names: c.629-12T>A (NM_001127641.1, NM_001017402.2).
Identifiers: ClinVar variation 2894234 (VCV002894234.3), dbSNP rs754222671, ClinGen allele CA1375888.

ClinVar aggregate classification (germline): Pathogenic (1 of 4 stars; one submission).

Allele frequency attached by ClinVar (database versions not stated): gnomAD 0.00001; gnomAD exomes 0.00001; TOPMed 0.00001; ExAC 0.00002.
gnomAD v4.1: 6 of 1,612,872 alleles (0.00037%); highest among the groups gnomAD compares: East Asian, 0.013%; no homozygotes.

Submission:

Labcorp Genetics (formerly Invitae), Labcorp
Classification: Pathogenic. Last evaluated: 2024-03-14. Review status: criteria provided, single submitter. Criteria: Invitae Variant Classification Sherloc (09022015). Collection method: clinical testing. Allele origin: germline.
Comment: This sequence change falls in intron 7 of the LAMB3 gene. It does not directly change the encoded amino acid sequence of the LAMB3 protein. This variant is present in population databases (rs754222671, gnomAD 0.03%). This variant has been observed in individual(s) with autosomal recessive junctional epidermolysis (PMID: 32484238, 35234826). In at least one individual the data is consistent with being in trans (on the opposite chromosome) from a pathogenic variant. Algorithms developed to predict the effect of sequence changes on RNA splicing suggest that this variant may disrupt the consensus splice site. For these reasons, this variant has been classified as Pathogenic.

Literature cited by the submitters: PubMed 32484238; PubMed 35234826.